The following is an entry in ClinVar:

ClinVar aggregate classification (germline): Pathogenic (1 of 4 stars; one submission).

Conditions:
Duchenne muscular dystrophy (DMD). Also called: Duchenne Muscular Dystrophy (DMD); MUSCULAR DYSTROPHY, PSEUDOHYPERTROPHIC PROGRESSIVE, DUCHENNE TYPE. Identifiers: Orphanet 98896, MedGen C0013264, MONDO:0010679, OMIM 310200.

Submission:

Labcorp Genetics (formerly Invitae), Labcorp
Classification: Pathogenic for Duchenne muscular dystrophy. Last evaluated: 2022-10-16. Review status: criteria provided, single submitter. Criteria: Invitae Variant Classification Sherloc (09022015). Collection method: clinical testing. Allele origin: germline.
Comment: This variant results in a copy number gain of the genomic region encompassing exon(s) 45-51 of the DMD gene. While the exact position of this variant cannot be determined from the data, sub-genic copy number gains are generally in tandem (PMID: 25640679). This variant is predicted to be in-frame, and likely preserves the integrity of the reading frame. A similar copy number variant has been observed in individual(s) with DMD-related conditions (PMID: 2316519, 15643612, 25482253, 31705731). For these reasons, this variant has been classified as Pathogenic.

Literature cited by the submitters: PubMed 25640679; PubMed 2316519; PubMed 15643612; PubMed 25482253; PubMed 31705731.

NC_000023.11:g.(?_31773950)_(31968524_?)dup

Gene: DMD (dystrophin; minus strand). Cytogenetic location: Xp21.1.
Variant type: Duplication.
Identifiers: ClinVar variation 830811 (VCV000830811.6).